The following is an entry in ClinVar:

NM_001079855.2(GYG2):c.944C>G (p.Pro315Arg)

Gene: GYG2 (glycogenin 2; plus strand). Cytogenetic location: Xp22.33.
Variant type: single nucleotide variant.
Coding change: c.944C>G on transcript NM_001079855.2 (MANE Select); coding-DNA position 944, C replaced by G.
Protein change: p.Pro315Arg; replaces proline 315 with arginine.
Molecular consequence: missense variant.
Genome position (GRCh38, 1-based): chrX:2,861,628, C>G. VCF-style: chrX-2861628-C-G. GRCh37 (hg19) VCF-style: chrX-2779669-C-G.
Other names: c.944C>G, p.Pro315Arg (NM_001184702.2); c.1037C>G, p.Pro346Arg (NM_001184703.2, NM_003918.3); c.479C>G, p.Pro160Arg (NM_001184704.2); short protein forms P160R, P315R, P346R.
Identifiers: ClinVar variation 2659863 (VCV002659863.24), dbSNP rs1266822593, ClinGen allele CA412266352.
Genomic context (GRCh38, chrX:2,861,628, plus strand): 5'-GTGTTGGAGAGCCGTGTGAAAATTCAACACCCAGTGCGGGCGTGCCGTGTGCAAATTCAC[C>G]ACTGGGTTCTAACCAGCCTGCTCAGGGCCTTCCGGAGCCGACCCAGATAGTGGATGAGAC-3'
Protein context (NP_001073324.1, residues 305-325): PSAGVPCANS[Pro315Arg]LGSNQPAQGL

ClinVar aggregate classification (germline): Uncertain significance (1 of 4 stars; one submission).

Submission:

CeGaT Center for Human Genetics Tuebingen
Classification: Uncertain significance. Last evaluated: 2023-03-01. Review status: criteria provided, single submitter. Criteria: CeGaT Center For Human Genetics Tuebingen Variant Classification Criteria Version 2. Collection method: clinical testing. Allele origin: germline. Affected: yes. Observed: 1 variant allele.
Comment: GYG2: PM2, BP4